The following is an entry in ClinVar:

NM_003872.3(NRP2):c.1185G>C (p.Leu395=)

Gene: NRP2 (neuropilin 2; plus strand). Cytogenetic location: 2q33.3.
Variant type: single nucleotide variant.
Coding change: c.1185G>C on transcript NM_003872.3 (MANE Select); coding-DNA position 1185, G replaced by C.
Protein change: p.Leu395=; no amino-acid change (leucine 395 retained).
Molecular consequence: synonymous variant.
Genome position (GRCh38, 1-based): chr2:205,740,557, G>C. VCF-style: chr2-205740557-G-C. GRCh37 (hg19) VCF-style: chr2-206605281-G-C.
Other names: c.1185G>C, p.Leu395= (NM_018534.4, NM_201264.2, NM_201266.2 and 2 more transcripts).
Identifiers: ClinVar variation 4977979 (VCV004977979.1).

ClinVar aggregate classification (germline): Likely benign (1 of 4 stars; one submission).

Conditions:
NRP2-related disorder. Also called: NRP2-related condition.

Submission:

PreventionGenetics, part of Exact Sciences
Classification: Likely benign for NRP2-related condition. Last evaluated: 2025-02-20. Review status: criteria provided, single submitter. Criteria: ACMG Guidelines, 2015. Collection method: clinical testing. Allele origin: germline.
Comment: This variant is classified as likely benign based on ACMG/AMP sequence variant interpretation guidelines (Richards et al. 2015 PMID: 25741868, with internal and published modifications).